The following is an entry in ClinVar:

NM_001080442.3(SLC38A8):c.11del (p.Gln4fs)

Gene: SLC38A8 (solute carrier family 38 member 8; minus strand). Cytogenetic location: 16q23.3.
Variant type: Deletion.
Coding change: c.11del on transcript NM_001080442.3 (MANE Select); coding-DNA position 11, one base deleted (A; older notation c.11delA).
Protein change: p.Gln4fs; shifts the reading frame from glutamine 4.
Molecular consequence: frameshift variant.
Genome position (GRCh38, 1-based): chr16:84,042,147, T deleted on the plus strand (A on the coding strand, the reverse complement: SLC38A8 is on the minus strand). VCF-style (leftmost placement, unchanged base first): chr16-84042146-CT-C. GRCh37 (hg19) VCF-style: chr16-84075751-CT-C.
Other names: short protein forms Q4fs.
Identifiers: ClinVar variation 2964446 (VCV002964446.5), dbSNP rs747905946, ClinGen allele CA8200559.
Genomic context (GRCh38, chr16:84,042,146, plus strand): 5'-CAGAGTGGCAGCAGCCGTGGCAGGGTGAGGCTTTTCTGGAAGGCCCCTGCTTCCTGGGGT[CT>C]GTCCCTCCATGGCTAGAGGCGGCAGAGGGGTGGAGAGAAAGCACAGTCTTCACGCTTTCC-3'

ClinVar aggregate classification (germline): Pathogenic. Review status: criteria provided, multiple submitters, no conflicts (2 of 4 stars). 2 submissions from 2 submitters: Pathogenic (2). Last evaluated 2025-08-14.

Conditions:
Foveal hypoplasia - optic nerve decussation defect - anterior segment dysgenesis syndrome. Also called: FOVEAL HYPOPLASIA 2 WITH OR WITHOUT OPTIC NERVE MISROUTING AND/OR ANTERIOR SEGMENT DYSGENESIS; FOVEAL HYPOPLASIA 2 WITH OR WITHOUT MICROPHTHALMIA OR COLOBOMA; FOVEAL HYPOPLASIA 2 WITH OPTIC NERVE DECUSSATION DEFECTS AND ANTERIOR SEGMENT DYSGENESIS WITHOUT ALBINISM; Foveal hypoplasia 2. Identifiers: Orphanet 397618, MedGen C3807873, MONDO:0012216, OMIM 609218.

Allele frequency attached by ClinVar (database versions not stated): TOPMed 0.00001; ExAC 0.00002; gnomAD exomes below 0.00001.

Submissions (2):

Labcorp Genetics (formerly Invitae), Labcorp
Classification: Pathogenic. Last evaluated: 2025-08-14. Review status: criteria provided, single submitter. Criteria: Invitae Variant Classification Sherloc (09022015). Collection method: clinical testing. Allele origin: germline.
Comment: This sequence change creates a premature translational stop signal (p.Gln4Argfs*31) in the SLC38A8 gene. It is expected to result in an absent or disrupted protein product. Loss-of-function variants in SLC38A8 are known to be pathogenic (PMID: 24290379). This variant is present in population databases (rs747905946, gnomAD 0.02%). This premature translational stop signal has been observed in individual(s) with foveal hypoplasia (PMID: 34415986). ClinVar contains an entry for this variant (Variation ID: 2964446). For these reasons, this variant has been classified as Pathogenic.

Juno Genomics, Hangzhou Juno Genomics, Inc
Classification: Pathogenic for Foveal hypoplasia - optic nerve decussation defect - anterior segment dysgenesis syndrome. Review status: criteria provided, single submitter. Criteria: ACMG Guidelines, 2015. Collection method: clinical testing. Allele origin: germline. Affected: yes.
Comment: Absent from controls (or at extremely low frequency if recessive) in Genome Aggregation Database, Exome Sequencing Project, 1000 Genomes Project, or Exome Aggregation Consortium.;Null variant in a gene where loss of function (LOF) is a known mechanism of disease.;For recessive disorders, detected in trans with a pathogenic variant.;Patient's phenotype or family history is highly specific for a disease with a single genetic etiology.

Literature cited by the submitters: PubMed 24290379 (cited by Labcorp Genetics (formerly Invitae), Labcorp); PubMed 34415986 (cited by Labcorp Genetics (formerly Invitae), Labcorp).